The following is an entry in ClinVar:

NM_004104.5(FASN):c.4504G>T (p.Val1502Leu)

Gene: FASN (fatty acid synthase; minus strand). Cytogenetic location: 17q25.3.
Variant type: single nucleotide variant.
Coding change: c.4504G>T on transcript NM_004104.5 (MANE Select); coding-DNA position 4504, G replaced by T.
Protein change: p.Val1502Leu; replaces valine 1502 with leucine.
Molecular consequence: missense variant.
Genome position (GRCh38, 1-based): chr17:82,084,859, C>A on the plus strand (G>T on the coding strand, the complement: FASN is on the minus strand). VCF-style: chr17-82084859-C-A. GRCh37 (hg19) VCF-style: chr17-80042735-C-A.
Other names: short protein forms V1502L.
Identifiers: ClinVar variation 4771787 (VCV004771787.1).

ClinVar aggregate classification (germline): Uncertain significance (1 of 4 stars; one submission).

Conditions:
Epileptic encephalopathy. Identifiers: MedGen C0543888, HP:0200134.

Submission:

Labcorp Genetics (formerly Invitae), Labcorp
Classification: Uncertain significance for Epileptic encephalopathy. Last evaluated: 2025-02-09. Review status: criteria provided, single submitter. Criteria: Invitae Variant Classification Sherloc (09022015). Collection method: clinical testing. Allele origin: germline.
Comment: This sequence change replaces valine, which is neutral and non-polar, with leucine, which is neutral and non-polar, at codon 1502 of the FASN protein (p.Val1502Leu). This variant is not present in population databases (gnomAD no frequency). This variant has not been reported in the literature in individuals affected with FASN-related conditions. An algorithm developed to predict the effect of missense changes on protein structure and function (PolyPhen-2) suggests that this variant is likely to be disruptive. In summary, the available evidence is currently insufficient to determine the role of this variant in disease. Therefore, it has been classified as a Variant of Uncertain Significance.